The following is an entry in ClinVar:

NM_001365951.3(KIF1B):c.5369G>C (p.Trp1790Ser)

Gene: KIF1B (kinesin family member 1B; plus strand). Cytogenetic location: 1p36.22.
Variant type: single nucleotide variant.
Coding change: c.5369G>C on transcript NM_001365951.3 (MANE Select); coding-DNA position 5369, G replaced by C.
Protein change: p.Trp1790Ser; replaces tryptophan 1790 with serine.
Molecular consequence: missense variant.
Genome position (GRCh38, 1-based): chr1:10,375,334, G>C. VCF-style: chr1-10375334-G-C. GRCh37 (hg19) VCF-style: chr1-10435392-G-C.
Other names: c.5369G>C, p.Trp1790Ser (NM_001365952.1); c.5231G>C, p.Trp1744Ser (NM_015074.3); short protein forms W1790S, W1744S.
Identifiers: ClinVar variation 970193 (VCV000970193.13), dbSNP rs367884252, ClinGen allele CA582326.

ClinVar aggregate classification (germline): Uncertain significance. Review status: criteria provided, multiple submitters, no conflicts (2 of 4 stars). 2 submissions from 2 submitters: Uncertain significance (2). Last evaluated 2024-07-28.

Conditions:
Charcot-Marie-Tooth disease type 2. Also called: Charcot-Marie-Tooth type 2. Identifiers: Orphanet 64746, MedGen C0270914, MONDO:0018993.

Allele frequency attached by ClinVar (database versions not stated): gnomAD 0.00001; ESP Exome Variant Server 0.00008; TOPMed below 0.00001; ExAC 0.00001.

Submissions (2):

Ambry Genetics
Classification: Uncertain significance. Last evaluated: 2024-07-28. Review status: criteria provided, single submitter. Criteria: Ambry Variant Classification Scheme 2023. Collection method: clinical testing. Allele origin: germline.
Comment: The p.W1744S variant (also known as c.5231G>C), located in coding exon 45 of the KIF1B gene, results from a G to C substitution at nucleotide position 5231. The tryptophan at codon 1744 is replaced by serine, an amino acid with highly dissimilar properties. This amino acid position is conserved. In addition, this alteration is predicted to be deleterious by in silico analysis. Since supporting evidence is limited at this time, the clinical significance of this alteration remains unclear.

Labcorp Genetics (formerly Invitae), Labcorp
Classification: Uncertain significance for Charcot-Marie-Tooth disease type 2. Last evaluated: 2019-11-10. Review status: criteria provided, single submitter. Criteria: Invitae Variant Classification Sherloc (09022015). Collection method: clinical testing. Allele origin: germline.
Comment: This sequence change replaces tryptophan with serine at codon 1744 of the KIF1B protein (p.Trp1744Ser). The tryptophan residue is highly conserved and there is a large physicochemical difference between tryptophan and serine. This variant is present in population databases (rs367884252, ExAC 0.001%). This variant has not been reported in the literature in individuals with KIF1B-related conditions. Algorithms developed to predict the effect of missense changes on protein structure and function are either unavailable or do not agree on the potential impact of this missense change (SIFT: "Deleterious"; PolyPhen-2: "Probably Damaging"; Align-GVGD: "Class C0"). In summary, the available evidence is currently insufficient to determine the role of this variant in disease. Therefore, it has been classified as a Variant of Uncertain Significance.